The following is an entry in ClinVar:

NM_001886.3(CRYBA4):c.159-256A>G

Gene: CRYBA4 (crystallin beta A4; plus strand). Cytogenetic location: 22q12.1.
Variant type: single nucleotide variant.
Coding change: c.159-256A>G on transcript NM_001886.3 (MANE Select); 256 bases into the intron before coding-DNA position 159, A replaced by G.
Molecular consequence: intron variant.
Genome position (GRCh38, 1-based): chr22:26,625,225, A>G. VCF-style: chr22-26625225-A-G. GRCh37 (hg19) VCF-style: chr22-27021189-A-G.
Identifiers: ClinVar variation 667637 (VCV000667637.2), dbSNP rs2071861, ClinGen allele CA14956948.

ClinVar aggregate classification (germline): Benign. Review status: criteria provided, multiple submitters, no conflicts (2 of 4 stars). 2 submissions from 2 submitters: Benign (2). Last evaluated 2018-06-19.

Allele frequency attached by ClinVar (database versions not stated): gnomAD 0.27253 and 0.27485; TOPMed 0.27726; 1000 Genomes Project 30x 0.34291; 1000 Genomes Project 0.34525.
gnomAD v4.1: 41,710 of 152,036 alleles (27%); highest among the groups gnomAD compares: East Asian, 49%; 6,515 homozygotes.

Submissions (2):

GeneDx
Classification: Benign. Last evaluated: 2018-06-19. Review status: criteria provided, single submitter. Criteria: GeneDx Variant Classification (06012015). Collection method: clinical testing. Allele origin: germline. Affected: yes.
Comment: This variant is considered likely benign or benign based on one or more of the following criteria: it is a conservative change, it occurs at a poorly conserved position in the protein, it is predicted to be benign by multiple in silico algorithms, and/or has population frequency not consistent with disease.

Breakthrough Genomics
Classification: Benign. Review status: criteria provided, single submitter. Criteria: ACMG Guidelines, 2015. Collection method: not provided. Allele origin: germline. Inheritance: Unknown mechanism. Affected: yes.